The following is an entry in ClinVar:

NM_172225.2(DMBX1):c.444C>T (p.Ala148=)

Gene: DMBX1 (diencephalon/mesencephalon homeobox 1; plus strand). Cytogenetic location: 1p33.
Variant type: single nucleotide variant.
Coding change: c.444C>T on transcript NM_172225.2 (MANE Select); coding-DNA position 444, C replaced by T.
Protein change: p.Ala148=; no amino-acid change (alanine 148 retained).
Molecular consequence: synonymous variant.
Genome position (GRCh38, 1-based): chr1:46,511,045, C>T. VCF-style: chr1-46511045-C-T. GRCh37 (hg19) VCF-style: chr1-46976717-C-T.
Other names: c.444C>T, p.Ala148= (NM_001387775.1); c.459C>T, p.Ala153= (NM_001387776.1, NM_147192.4).
Identifiers: ClinVar variation 3061007 (VCV003061007.2), dbSNP rs12045245, ClinGen allele CA836667.

ClinVar aggregate classification (germline): Benign (0 of 4 stars; one submission).

Conditions:
DMBX1-related disorder. Also called: DMBX1-related condition.

Allele frequency attached by ClinVar (database versions not stated): gnomAD exomes 0.17704; ExAC 0.21789; ESP Exome Variant Server 0.25311; TOPMed 0.25391; gnomAD 0.25511; 1000 Genomes Project 30x 0.30262; 1000 Genomes Project 0.30272.
gnomAD v4.1: 298,679 of 1,613,818 alleles (19%); highest among the groups gnomAD compares: African/African-American, 45%; 31,984 homozygotes.

Submission:

PreventionGenetics, part of Exact Sciences
Classification: Benign for DMBX1-related condition. Last evaluated: 2019-10-18. Review status: no assertion criteria provided. Collection method: clinical testing. Allele origin: germline.
Comment: This variant is classified as benign based on ACMG/AMP sequence variant interpretation guidelines (Richards et al. 2015 PMID: 25741868, with internal and published modifications).